The following is an entry in ClinVar:

NM_000463.3(UGT1A1):c.90A>G (p.Ile30Met)

Genes: UGT1A (UDP glucuronosyltransferase family 1 member A complex locus; plus strand), UGT1A1 (UDP glucuronosyltransferase family 1 member A1; plus strand), UGT1A10 (UDP glucuronosyltransferase family 1 member A10; plus strand), UGT1A3 (UDP glucuronosyltransferase family 1 member A3; plus strand), UGT1A4 (UDP glucuronosyltransferase family 1 member A4; plus strand) and 5 more. Cytogenetic location: 2q37.1.
Variant type: single nucleotide variant.
Coding change: c.90A>G on transcript NM_000463.3 (MANE Select); coding-DNA position 90, A replaced by G.
Protein change: p.Ile30Met; replaces isoleucine 30 with methionine.
Molecular consequence: missense variant. On other transcripts: intron variant (9).
Genome position (GRCh38, 1-based): chr2:233,760,377, A>G. VCF-style: chr2-233760377-A-G. GRCh37 (hg19) VCF-style: chr2-234669023-A-G.
Other names: c.856-6657A>G (NM_019076.5, NM_019075.4, NM_021027.3 and 1 more transcripts); c.61-6657A>G (NM_205862.3); c.862-6657A>G (NM_001072.4); c.868-6657A>G (NM_019078.2, NM_007120.3, NM_019093.4); short protein forms I30M.
Identifiers: ClinVar variation 4988481 (VCV004988481.1).

ClinVar aggregate classification (germline): Uncertain significance (1 of 4 stars; one submission).

Conditions:
UGT1A1-related disorder. Also called: UGT1A1-related disorders; UGT1A1-related condition.

gnomAD v4.1: 2 of 1,614,124 alleles (0.00012%); highest among the groups gnomAD compares: Admixed American, 0.0017%; no homozygotes.

Submission:

PreventionGenetics, part of Exact Sciences
Classification: Uncertain significance for UGT1A1-related condition. Last evaluated: 2026-09-15. Review status: criteria provided, single submitter. Criteria: ACMG Guidelines, 2015. Collection method: clinical testing. Allele origin: germline.
Comment: The UGT1A1 c.90A>G variant is predicted to result in the amino acid substitution p.Ile30Met. To our knowledge, this variant has not been reported in the literature or in a large population database (gnomAD), indicating this variant is rare. At this time, the clinical significance of this variant is uncertain due to the absence of conclusive functional and genetic evidence.